The following is an entry in ClinVar:

ClinVar aggregate classification (germline): Likely pathogenic (1 of 4 stars; one submission).

Submission:

Labcorp Genetics (formerly Invitae), Labcorp
Classification: Likely pathogenic. Last evaluated: 2021-02-17. Review status: criteria provided, single submitter. Criteria: Invitae Variant Classification Sherloc (09022015). Collection method: clinical testing. Allele origin: germline.
Comment: In summary, the currently available evidence indicates that the variant is pathogenic, but additional data are needed to prove that conclusively. Therefore, this variant has been classified as Likely Pathogenic. This variant has not been reported in the literature in individuals with TTLL5-related conditions. This variant results in a copy number gain of the genomic region encompassing exon(s) 4-30 of the TTLL5 gene. While the exact position of this variant cannot be determined from the data, sub-genic copy number gains are generally in tandem (PMID: 25640679). This variant is predicted to be out-of-frame, and may result in an absent or disrupted protein product. Loss-of-function variants in TTLL5 are known to be pathogenic (PMID: 24791901, 27162334).

Literature cited by the submitters: PubMed 25640679; PubMed 24791901; PubMed 27162334.

NC_000014.8:g.(?_76147868)_(76349265_?)dup

Gene: TTLL5 (tubulin tyrosine ligase like 5; plus strand). Cytogenetic location: 14q24.3.
Variant type: Duplication.
Identifiers: ClinVar variation 1519744 (VCV001519744.4).